The following is an entry in ClinVar:

NM_019112.4(ABCA7):c.3547C>T (p.Gln1183Ter)

Gene: ABCA7 (ATP binding cassette subfamily A member 7; plus strand). Cytogenetic location: 19p13.3.
Variant type: single nucleotide variant.
Coding change: c.3547C>T on transcript NM_019112.4 (MANE Select); coding-DNA position 3547, C replaced by T.
Protein change: p.Gln1183Ter; replaces glutamine 1183 with a stop codon.
Molecular consequence: nonsense.
Genome position (GRCh38, 1-based): chr19:1,054,080, C>T. VCF-style: chr19-1054080-C-T. GRCh37 (hg19) VCF-style: chr19-1054079-C-T.
Other names: short protein forms Q1183*.
Identifiers: ClinVar variation 3370328 (VCV003370328.1).

ClinVar aggregate classification (germline): Likely pathogenic (1 of 4 stars; one submission).

Conditions:
Alzheimer disease 9. Also called: ALZHEIMER DISEASE 9, SUSCEPTIBILITY TO; ALZHEIMER DISEASE 9, LATE-ONSET. Identifiers: MedGen C4282179, MONDO:0012153, OMIM 608907.

gnomAD v4.1: 10 of 1,613,224 alleles (0.00062%); highest among the groups gnomAD compares: Admixed American, 0.0017%; no homozygotes.

Submission:

MVZ Medizinische Genetik Mainz
Classification: Likely pathogenic for Alzheimer disease 9. Last evaluated: 2024-09-20. Review status: criteria provided, single submitter. Criteria: UK Practice Guidelines For Variant Classification V4 01 2020. Collection method: clinical testing. Allele origin: germline. Inheritance: Autosomal dominant inheritance. Affected: yes. Observed: 1 variant allele.
Comment: ACMG Criteria: PVS1,PM2_SUP